The following is an entry in ClinVar:

NM_000088.4(COL1A1):c.31C>G (p.Leu11Val)

Gene: COL1A1 (collagen type I alpha 1 chain; minus strand). Cytogenetic location: 17q21.33.
Variant type: single nucleotide variant.
Coding change: c.31C>G on transcript NM_000088.4 (MANE Select); coding-DNA position 31, C replaced by G.
Protein change: p.Leu11Val; replaces leucine 11 with valine.
Molecular consequence: missense variant.
Genome position (GRCh38, 1-based): chr17:50,201,483, G>C on the plus strand (C>G on the coding strand, the complement: COL1A1 is on the minus strand). VCF-style: chr17-50201483-G-C. GRCh37 (hg19) VCF-style: chr17-48278844-G-C.
Other names: short protein forms L11V.
Identifiers: ClinVar variation 4537740 (VCV004537740.2).

ClinVar aggregate classification (germline): Uncertain significance. Review status: criteria provided, multiple submitters, no conflicts (2 of 4 stars). 2 submissions from 2 submitters: Uncertain significance (2). Last evaluated 2026-07-09.

Conditions:
Cardiovascular phenotype. Identifiers: MedGen CN230736.

Submissions (2):

Ambry Genetics
Classification: Uncertain significance for Cardiovascular phenotype. Last evaluated: 2026-07-09. Review status: criteria provided, single submitter. Criteria: Ambry Variant Classification Scheme 2023. Collection method: clinical testing. Allele origin: germline.
Comment: The p.L11V variant (also known as c.31C>G), located in coding exon 1 of the COL1A1 gene, results from a C to G substitution at nucleotide position 31. The leucine at codon 11 is replaced by valine, an amino acid with highly similar properties. This amino acid position is conserved. In addition, the in silico prediction for this alteration is inconclusive. Based on the available evidence, the clinical significance of this variant remains unclear.

GeneDx
Classification: Uncertain significance. Last evaluated: 2025-06-12. Review status: criteria provided, single submitter. Criteria: GeneDx Variant Classification Process June 2021. Collection method: clinical testing. Allele origin: germline. Affected: yes.
Comment: Not observed at significant frequency in large population cohorts (gnomAD); In silico analysis suggests that this missense variant does not alter protein structure/function; Has not been previously published as pathogenic or benign to our knowledge; Not located in the triple helical region, where the majority of pathogenic missense variants occur (HGMD)